The following is an entry in ClinVar:

NM_001943.5(DSG2):c.2766_2767dup (p.Pro923fs)

Genes: DSG2 (desmoglein 2; plus strand), DSG2-AS1 (DSG2 antisense RNA 1; minus strand). Cytogenetic location: 18q12.1.
Variant type: Microsatellite.
Coding change: c.2766_2767dup on transcript NM_001943.5 (MANE Select); coding-DNA positions 2766 to 2767, 2 bases duplicated (AC; older notation c.2766_2767dupAC).
Protein change: p.Pro923fs; shifts the reading frame from proline 923.
Molecular consequence: frameshift variant.
Genome position (GRCh38, 1-based): chr18:31,546,152-31,546,153, AC duplicated; duplicating any 2 consecutive bases within chr18:31,546,150-31,546,153 gives the same sequence; the c. name uses the placement nearest the transcript's 3' end. VCF-style (leftmost placement, unchanged base first): chr18-31546149-T-TAC. GRCh37 (hg19) VCF-style: chr18-29126112-T-TAC.
Other names: c.2764_2765AC[3], p.Pro923Hisfs (NM_001943.3); c.2766_2767dupAC (NM_001943.3); short protein forms P923fs.
Identifiers: ClinVar variation 4015018 (VCV004015018.1).

ClinVar aggregate classification (germline): Uncertain significance (1 of 4 stars; one submission).

Conditions:
Cardiovascular phenotype. Identifiers: MedGen CN230736.

Submission:

Ambry Genetics
Classification: Uncertain significance for Cardiovascular phenotype. Last evaluated: 2025-04-02. Review status: criteria provided, single submitter. Criteria: Ambry Variant Classification Scheme 2023. Collection method: clinical testing. Allele origin: germline.
Comment: The c.2766_2767dupAC variant, located in coding exon 15 of the DSG2 gene, results from a duplication of AC at nucleotide position 2766, causing a translational frameshift with a predicted alternate stop codon (p.P923Hfs*12). This alteration occurs at the 3' terminus of theDSG2 gene, is not expected to trigger nonsense-mediated mRNAdecay, and impacts the last 17% of the protein. The exact functional effect of this alteration is unknown. Based on the available evidence, the clinical significance of this variant remains unclear.